The following is an entry in ClinVar:

NM_001366230.1(ARHGAP28):c.1734+46C>G

Gene: ARHGAP28 (Rho GTPase activating protein 28; plus strand). Cytogenetic location: 18p11.31.
Variant type: single nucleotide variant.
Coding change: c.1734+46C>G on transcript NM_001366230.1 (MANE Select); 46 bases into the intron after coding-DNA position 1734, C replaced by G.
Molecular consequence: intron variant.
Genome position (GRCh38, 1-based): chr18:6,890,131, C>G. VCF-style: chr18-6890131-C-G. GRCh37 (hg19) VCF-style: chr18-6890130-C-G.
Other names: c.1578+46C>G (NM_001410873.1); c.1734+46C>G (NM_001366231.1); c.1257+46C>G (NM_001010000.3).
Identifiers: ClinVar variation 3052976 (VCV003052976.2), dbSNP rs201393119, ClinGen allele CA8879948.

ClinVar aggregate classification (germline): Likely benign (0 of 4 stars; one submission).

Conditions:
ARHGAP28-related disorder. Also called: ARHGAP28-related condition.

Allele frequency attached by ClinVar (database versions not stated): 1000 Genomes Project 30x 0.00016.
gnomAD v4.1: 145 of 1,601,442 alleles (0.0091%); highest among the groups gnomAD compares: Non-Finnish European, 0.012%; no homozygotes.

Submission:

PreventionGenetics, part of Exact Sciences
Classification: Likely benign for ARHGAP28-related condition. Last evaluated: 2021-07-14. Review status: no assertion criteria provided. Collection method: clinical testing. Allele origin: germline.
Comment: This variant is classified as likely benign based on ACMG/AMP sequence variant interpretation guidelines (Richards et al. 2015 PMID: 25741868, with internal and published modifications).